The following is an entry in ClinVar:

ClinVar aggregate classification (germline): Uncertain significance (1 of 4 stars; one submission).

Submission:

GeneDx
Classification: Uncertain significance. Last evaluated: 2023-08-10. Review status: criteria provided, single submitter. Criteria: GeneDx Variant Classification Process June 2021. Collection method: clinical testing. Allele origin: germline. Affected: yes.
Comment: Not observed at significant frequency in large population cohorts (gnomAD); In silico analysis supports that this missense variant has a deleterious effect on protein structure/function; Has not been previously published as pathogenic or benign to our knowledge

NM_001365536.1(SCN9A):c.847A>T (p.Asn283Tyr)

Gene: SCN9A (sodium voltage-gated channel alpha subunit 9; minus strand). Cytogenetic location: 2q24.3.
Variant type: single nucleotide variant.
Coding change: c.847A>T on transcript NM_001365536.1 (MANE Select); coding-DNA position 847, A replaced by T.
Protein change: p.Asn283Tyr; replaces asparagine 283 with tyrosine.
Molecular consequence: missense variant.
Genome position (GRCh38, 1-based): chr2:166,303,144, T>A on the plus strand (A>T on the coding strand, the complement: SCN9A is on the minus strand). VCF-style: chr2-166303144-T-A. GRCh37 (hg19) VCF-style: chr2-167159654-T-A.
Other names: c.847A>T, p.Asn283Tyr (NM_002977.4); short protein forms N283Y.
Identifiers: ClinVar variation 452227 (VCV000452227.4), dbSNP rs1553495127, ClinGen allele CA349092494.
Genomic context (GRCh38, chr2:166,303,144, plus strand): 5'-TCTTACTTCTAAAGTCTTCTTCACTCTCTAGGGTATTCATTATGCTTTCTAATGTTTCAT[T>A]ATTTTCAAGTGAATTTCGAAAACATTTATGCTTCAGGTTTCCCATGAACAGCTGTAGTCC-3'
Protein context (NP_001352465.1, residues 273-293): HKCFRNSLEN[Asn283Tyr]ETLESIMNTL